The following is an entry in ClinVar:

ClinVar aggregate classification (germline): Likely benign. Review status: criteria provided, single submitter (1 of 4 stars). 2 submissions from 2 submitters: Likely benign (1). 1 of the submissions does not count toward it. Last evaluated 2026-04-01.

Conditions:
PRDM9-related disorder. Also called: PRDM9-related condition.

Allele frequency attached by ClinVar (database versions not stated): 1000 Genomes Project 0.00160; 1000 Genomes Project 30x 0.00172; gnomAD 0.00208; ExAC 0.00209; ESP Exome Variant Server 0.00258; TOPMed 0.00264; gnomAD exomes 0.00319.
gnomAD v4.1: 5,020 of 1,614,048 alleles (0.31%); highest among the groups gnomAD compares: Non-Finnish European, 0.36%; 17 homozygotes.

Submissions (2):

CeGaT Center for Human Genetics Tuebingen
Classification: Likely benign. Last evaluated: 2026-04-01. Review status: criteria provided, single submitter. Criteria: CeGaT Center For Human Genetics Tuebingen Variant Classification Criteria Version 2. Collection method: clinical testing. Allele origin: germline. Affected: yes. Observed: 1 variant allele.
Comment: PRDM9: BS2

PreventionGenetics, part of Exact Sciences
Classification: Likely benign for PRDM9-related condition. Last evaluated: 2022-04-05. Review status: no assertion criteria provided. Collection method: clinical testing. Allele origin: germline. Not counted in ClinVar's aggregate classification.
Comment: This variant is classified as likely benign based on ACMG/AMP sequence variant interpretation guidelines (Richards et al. 2015 PMID: 25741868, with internal and published modifications).

NM_020227.4(PRDM9):c.1024A>G (p.Arg342Gly)

Gene: PRDM9 (PR/SET domain 9; plus strand). Cytogenetic location: 5p14.2.
Variant type: single nucleotide variant.
Coding change: c.1024A>G on transcript NM_020227.4 (MANE Select); coding-DNA position 1024, A replaced by G.
Protein change: p.Arg342Gly; replaces arginine 342 with glycine.
Molecular consequence: missense variant.
Genome position (GRCh38, 1-based): chr5:23,524,407, A>G. VCF-style: chr5-23524407-A-G. GRCh37 (hg19) VCF-style: chr5-23524516-A-G.
Other names: c.1024A>G, p.Arg342Gly (NM_001310214.3, NM_001376900.1); short protein forms R342G.
Identifiers: ClinVar variation 3055641 (VCV003055641.4), dbSNP rs193211869, ClinGen allele CA3214786.